The following is an entry in ClinVar:

NM_005045.4(RELN):c.374T>C (p.Met125Thr)

Gene: RELN (reelin; minus strand). Cytogenetic location: 7q22.1.
Variant type: single nucleotide variant.
Coding change: c.374T>C on transcript NM_005045.4 (MANE Select); coding-DNA position 374, T replaced by C.
Protein change: p.Met125Thr; replaces methionine 125 with threonine.
Molecular consequence: missense variant.
Genome position (GRCh38, 1-based): chr7:103,833,636, A>G on the plus strand (T>C on the coding strand, the complement: RELN is on the minus strand). VCF-style: chr7-103833636-A-G. GRCh37 (hg19) VCF-style: chr7-103474083-A-G.
Other names: c.374T>C, p.Met125Thr (NM_173054.3); c.374T>C (NM_005045.3); short protein forms M125T.
Identifiers: ClinVar variation 1004120 (VCV001004120.10), dbSNP rs1793328118, ClinGen allele CA368930859.

ClinVar aggregate classification (germline): Uncertain significance. Review status: criteria provided, multiple submitters, no conflicts (2 of 4 stars). 2 submissions from 2 submitters: Uncertain significance (2). Last evaluated 2025-03-17.

Conditions:
Inborn genetic diseases. Identifiers: MedGen C0950123, MeSH D030342.
Familial temporal lobe epilepsy 7. Identifiers: Orphanet 101046, MedGen C4225327, MONDO:0014639, OMIM 616436.
Norman-Roberts syndrome (LIS2). Also called: Lissencephaly 2 (Norman-Roberts type). Identifiers: Orphanet 89844, MedGen C0796089, MONDO:0009760, OMIM 257320.

Allele frequency attached by ClinVar (database versions not stated): gnomAD exomes below 0.00001.

Submissions (2):

Ambry Genetics
Classification: Uncertain significance for Inborn genetic diseases. Last evaluated: 2025-03-17. Review status: criteria provided, single submitter. Criteria: Ambry Variant Classification Scheme 2023. Collection method: clinical testing. Allele origin: germline.

Labcorp Genetics (formerly Invitae), Labcorp
Classification: Uncertain significance for Familial temporal lobe epilepsy 7; Norman-Roberts syndrome. Last evaluated: 2024-10-16. Review status: criteria provided, single submitter. Criteria: Invitae Variant Classification Sherloc (09022015). Collection method: clinical testing. Allele origin: germline.
Comment: This sequence change replaces methionine, which is neutral and non-polar, with threonine, which is neutral and polar, at codon 125 of the RELN protein (p.Met125Thr). This variant is not present in population databases (gnomAD no frequency). This variant has not been reported in the literature in individuals affected with RELN-related conditions. ClinVar contains an entry for this variant (Variation ID: 1004120). Invitae Evidence Modeling of protein sequence and biophysical properties (such as structural, functional, and spatial information, amino acid conservation, physicochemical variation, residue mobility, and thermodynamic stability) indicates that this missense variant is not expected to disrupt RELN protein function with a negative predictive value of 80%. In summary, the available evidence is currently insufficient to determine the role of this variant in disease. Therefore, it has been classified as a Variant of Uncertain Significance.